The following is an entry in ClinVar:

ClinVar aggregate classification (germline): Uncertain significance (1 of 4 stars; one submission).

Submission:

Labcorp Genetics (formerly Invitae), Labcorp
Classification: Uncertain significance. Last evaluated: 2022-07-23. Review status: criteria provided, single submitter. Criteria: Invitae Variant Classification Sherloc (09022015). Collection method: clinical testing. Allele origin: germline.
Comment: This variant has not been reported in the literature in individuals affected with ARHGAP31-related conditions. This variant is not present in population databases (gnomAD no frequency). This sequence change creates a premature translational stop signal (p.Pro739Argfs*19) in the ARHGAP31 gene. While this is not anticipated to result in nonsense mediated decay, it is expected to disrupt the last 706 amino acid(s) of the ARHGAP31 protein. In summary, the available evidence is currently insufficient to determine the role of this variant in disease. Therefore, it has been classified as a Variant of Uncertain Significance.

NM_020754.4(ARHGAP31):c.2216del (p.Pro739fs)

Gene: ARHGAP31 (Rho GTPase activating protein 31; plus strand). Cytogenetic location: 3q13.33.
Variant type: Deletion.
Coding change: c.2216del on transcript NM_020754.4 (MANE Select); coding-DNA position 2216, one base deleted (C; older notation c.2216delC).
Protein change: p.Pro739fs; shifts the reading frame from proline 739.
Molecular consequence: frameshift variant.
Genome position (GRCh38, 1-based): chr3:119,414,145, C deleted; the last of 2 consecutive C bases (chr3:119,414,144-119,414,145); deleting either gives the same sequence. VCF-style (leftmost placement, unchanged base first): chr3-119414143-GC-G. GRCh37 (hg19) VCF-style: chr3-119132990-GC-G.
Other names: short protein forms P739fs.
Identifiers: ClinVar variation 2019203 (VCV002019203.4), dbSNP rs2472875250, ClinGen allele CA2580068644.